The following is an entry in ClinVar:

ClinVar aggregate classification (germline): Pathogenic (1 of 4 stars; one submission).

Conditions:
Retinoblastoma (RB1). Also called: RETINOBLASTOMA, SOMATIC. Identifiers: Orphanet 790, MedGen C0035335, MeSH D012175, MONDO:0008380, OMIM 180200, HP:0009919. Disease mechanism: loss of function. Inheritance: Both sporadic and heritable forms are tested..

Submission:

Labcorp Genetics (formerly Invitae), Labcorp
Classification: Pathogenic for Retinoblastoma. Last evaluated: 2018-01-19. Review status: criteria provided, single submitter. Criteria: Invitae Variant Classification Sherloc (09022015). Collection method: clinical testing. Allele origin: germline.
Comment: For these reasons, this variant has been classified as Pathogenic. Loss-of-function variants in RB1 are known to be pathogenic (PMID: 17096365). This variant has been reported in individuals in the Leiden Open-source Variation Database (PMID: 21520333). This variant is not present in population databases (ExAC no frequency). This sequence change creates a premature translational stop signal (p.Phe482Serfs*10) in the RB1 gene. It is expected to result in an absent or disrupted protein product.

Literature cited by the submitters: PubMed 17096365; PubMed 21520333.

NM_000321.3(RB1):c.1445_1446del (p.Phe482fs)

Gene: RB1 (RB transcriptional corepressor 1; plus strand). Cytogenetic location: 13q14.2.
Variant type: Deletion.
Coding change: c.1445_1446del on transcript NM_000321.3 (MANE Select); coding-DNA positions 1445 to 1446, 2 bases deleted (TT; older notation c.1445_1446delTT).
Protein change: p.Phe482fs; shifts the reading frame from phenylalanine 482.
Molecular consequence: frameshift variant.
Genome position (GRCh38, 1-based): chr13:48,380,188-48,380,189, TT deleted; deleting any 2 consecutive bases within chr13:48,380,185-48,380,189 gives the same sequence; the c. name uses the placement nearest the transcript's 3' end. VCF-style (leftmost placement, unchanged base first): chr13-48380184-ATT-A. GRCh37 (hg19) VCF-style: chr13-48954320-ATT-A.
Other names: c.1445_1446delTT (NM_000321.2); short protein forms F482fs.
Identifiers: ClinVar variation 576526 (VCV000576526.7), dbSNP rs1566199059, ClinGen allele CA645578666.